The following is an entry in ClinVar:

ClinVar aggregate classification (germline): Uncertain significance (1 of 4 stars; one submission).

Conditions:
Brown-Vialetto-van Laere syndrome 1. Also called: BROWN-VIALETTO-VAN LAERE SYNDROME 1, MILD; BULBAR PALSY, PROGRESSIVE, WITH SENSORINEURAL DEAFNESS; PONTOBULBAR PALSY WITH DEAFNESS. Identifiers: Orphanet 572550, Orphanet 97229, MedGen C0796274, MONDO:0024537, OMIM 211530.

Submission:

Labcorp Genetics (formerly Invitae), Labcorp
Classification: Uncertain significance for Brown-Vialetto-van Laere syndrome 1. Last evaluated: 2020-09-01. Review status: criteria provided, single submitter. Criteria: Invitae Variant Classification Sherloc (09022015). Collection method: clinical testing. Allele origin: germline.
Comment: In summary, the available evidence is currently insufficient to determine the role of this variant in disease. Therefore, it has been classified as a Variant of Uncertain Significance. Algorithms developed to predict the effect of missense changes on protein structure and function output the following: SIFT: "Tolerated"; PolyPhen-2: "Benign"; Align-GVGD: "Class C0". The leucine amino acid residue is found in multiple mammalian species, suggesting that this missense change does not adversely affect protein function. These predictions have not been confirmed by published functional studies and their clinical significance is uncertain. This variant has not been reported in the literature in individuals with SLC52A3-related conditions. This variant is not present in population databases (ExAC no frequency). This sequence change replaces valine with leucine at codon 365 of the SLC52A3 protein (p.Val365Leu). The valine residue is weakly conserved and there is a small physicochemical difference between valine and leucine.

NM_033409.4(SLC52A3):c.1093G>C (p.Val365Leu)

Gene: SLC52A3 (solute carrier family 52 member 3; minus strand). Cytogenetic location: 20p13.
Variant type: single nucleotide variant.
Coding change: c.1093G>C on transcript NM_033409.4 (MANE Select); coding-DNA position 1093, G replaced by C.
Protein change: p.Val365Leu; replaces valine 365 with leucine.
Molecular consequence: missense variant.
Genome position (GRCh38, 1-based): chr20:761,805, C>G on the plus strand (G>C on the coding strand, the complement: SLC52A3 is on the minus strand). VCF-style: chr20-761805-C-G. GRCh37 (hg19) VCF-style: chr20-742449-C-G.
Other names: c.1093G>C, p.Val365Leu (NM_001370085.1, NM_001370086.1); short protein forms V365L.
Identifiers: ClinVar variation 1011579 (VCV001011579.9), dbSNP rs763929903, ClinGen allele CA407962459.